The following is an entry in ClinVar:

NM_000891.3(KCNJ2):c.657A>C (p.Lys219Asn)

Gene: KCNJ2 (potassium inwardly rectifying channel subfamily J member 2; plus strand). Cytogenetic location: 17q24.3.
Variant type: single nucleotide variant.
Coding change: c.657A>C on transcript NM_000891.3 (MANE Select); coding-DNA position 657, A replaced by C.
Protein change: p.Lys219Asn; replaces lysine 219 with asparagine.
Molecular consequence: missense variant.
Genome position (GRCh38, 1-based): chr17:70,175,696, A>C. VCF-style: chr17-70175696-A-C. GRCh37 (hg19) VCF-style: chr17-68171837-A-C.
Other names: p.Lys219Asn; short protein forms K219N.
Identifiers: ClinVar variation 4542214 (VCV004542214.1).
Genomic context (GRCh38, chr17:70,175,696, plus strand): 5'-CGTGATTGCCATGAGAGACGGCAAGCTGTGTTTGATGTGGCGAGTGGGCAATCTTCGGAA[A>C]AGCCACTTGGTGGAAGCTCATGTTCGAGCACAGCTCCTCAAATCCAGAATTACTTCTGAA-3'
Protein context (NP_000882.1, residues 209-229): CLMWRVGNLR[Lys219Asn]SHLVEAHVRA

ClinVar aggregate classification (germline): Uncertain significance (1 of 4 stars; one submission).

Submission:

Mayo Clinic Laboratories, Mayo Clinic
Classification: Uncertain significance. Last evaluated: 2025-12-11. Review status: criteria provided, single submitter. Criteria: ACMG Guidelines, 2015. Collection method: clinical testing. Allele origin: germline. Observed: 1 variant allele.
Comment: PM1, PM2_supporting

Literature cited by the submitters: PubMed 12086641; PubMed 12796536; PubMed 19416905; PubMed 40175568.